The following is an entry in ClinVar:

ClinVar aggregate classification (germline): Uncertain significance. Review status: criteria provided, multiple submitters, no conflicts (2 of 4 stars). 2 submissions from 2 submitters: Uncertain significance (2). Last evaluated 2025-07-25.

Conditions:
Progressive sclerosing poliodystrophy (MTDPS4A). Also called: ALPERS PROGRESSIVE INFANTILE POLIODYSTROPHY; NEURONAL DEGENERATION OF CHILDHOOD WITH LIVER DISEASE, PROGRESSIVE; Mitochondrial DNA depletion syndrome 4A (Alpers type); Mitochondrial DNA Depletion Syndrome 4A; Alpers-Huttenlocher Syndrome (AHS); Alpers Syndrome. Identifiers: Orphanet 726, MedGen C0205710, MONDO:0008758, OMIM 203700.

Allele frequency attached by ClinVar (database versions not stated): TOPMed 0.00001.
gnomAD v4.1: 6 of 1,614,026 alleles (0.00037%); highest among the groups gnomAD compares: Non-Finnish European, 0.00042%; no homozygotes.

Submissions (2):

Labcorp Genetics (formerly Invitae), Labcorp
Classification: Uncertain significance for Progressive sclerosing poliodystrophy. Last evaluated: 2025-07-25. Review status: criteria provided, single submitter. Criteria: Invitae Variant Classification Sherloc (09022015). Collection method: clinical testing. Allele origin: germline.
Comment: This sequence change replaces alanine, which is neutral and non-polar, with valine, which is neutral and non-polar, at codon 357 of the POLG protein (p.Ala357Val). This variant is not present in population databases (gnomAD no frequency). This variant has not been reported in the literature in individuals affected with POLG-related conditions. ClinVar contains an entry for this variant (Variation ID: 2683327). Invitae Evidence Modeling of protein sequence and biophysical properties (such as structural, functional, and spatial information, amino acid conservation, physicochemical variation, residue mobility, and thermodynamic stability) indicates that this missense variant is not expected to disrupt POLG protein function with a negative predictive value of 95%. In summary, the available evidence is currently insufficient to determine the role of this variant in disease. Therefore, it has been classified as a Variant of Uncertain Significance.

Mayo Clinic Laboratories, Mayo Clinic
Classification: Uncertain significance. Last evaluated: 2022-04-18. Review status: criteria provided, single submitter. Criteria: ACMG Guidelines, 2015. Collection method: clinical testing. Allele origin: germline. Observed: 1 variant allele.
Comment: PM2

NM_002693.3(POLG):c.1070C>T (p.Ala357Val)

Gene: POLG (DNA polymerase gamma, catalytic subunit; minus strand). Cytogenetic location: 15q26.1.
Variant type: single nucleotide variant.
Coding change: c.1070C>T on transcript NM_002693.3 (MANE Select); coding-DNA position 1070, C replaced by T.
Protein change: p.Ala357Val; replaces alanine 357 with valine.
Molecular consequence: missense variant.
Genome position (GRCh38, 1-based): chr15:89,328,785, G>A on the plus strand (C>T on the coding strand, the complement: POLG is on the minus strand). VCF-style: chr15-89328785-G-A. GRCh37 (hg19) VCF-style: chr15-89872016-G-A.
Other names: p.Ala357Val; c.1070C>T, p.Ala357Val (NM_001126131.2); short protein forms A357V.
Identifiers: ClinVar variation 2683327 (VCV002683327.2), dbSNP rs749195383, ClinGen allele CA393765018.